The following is an entry in ClinVar:

NM_017813.5(BPNT2):c.972_973del (p.Ser324fs)

Gene: BPNT2 (3'(2'), 5'-bisphosphate nucleotidase 2; minus strand). Cytogenetic location: 8q12.1.
Variant type: Deletion.
Coding change: c.972_973del on transcript NM_017813.5 (MANE Select); coding-DNA positions 972 to 973, 2 bases deleted (TT; older notation c.972_973delTT).
Protein change: p.Ser324fs; shifts the reading frame from serine 324.
Molecular consequence: frameshift variant.
Genome position (GRCh38, 1-based): chr8:56,963,900-56,963,901, AA deleted on the plus strand (TT on the coding strand, the reverse complement: BPNT2 is on the minus strand). VCF-style (leftmost placement, unchanged base first): chr8-56963899-TAA-T. GRCh37 (hg19) VCF-style: chr8-57876458-TAA-T.
Other names: short protein forms S324fs.
Identifiers: ClinVar variation 503845 (VCV000503845.2), dbSNP rs1554537963, ClinGen allele CA658797111.

ClinVar aggregate classification (germline): Likely pathogenic (1 of 4 stars; one submission).

Submission:

GeneDx
Classification: Likely pathogenic. Last evaluated: 2017-11-30. Review status: criteria provided, single submitter. Criteria: GeneDx Variant Classification (06012015). Collection method: clinical testing. Allele origin: germline. Affected: yes.
Comment: The c.972_973delTT variant in the IMPAD1 gene has not been reported previously as a pathogenic variant nor as a benign variant, to our knowledge. The c.972_973delTT variant causes a frameshift starting with codon Serine 324, changes this amino acid to an Arginine residue, and creates a premature Stop codon at position 8 of the new reading frame, denoted p.Ser324ArgfsX8. This variant is predicted to cause loss of normal protein function through protein truncation as the last 36 amino acids are lost and replaced with 7 incorrect amino acids. The c.972_973delTT variant is not observed in large population cohorts (Lek et al., 2016). We interpret c.972_973delTT as a likely pathogenic variant.